The following is an entry in ClinVar:

NM_001902.6(CTH):c.-140A>T

Genes: CTH (cystathionine gamma-lyase; plus strand), LOC129930756 (ATAC-STARR-seq lymphoblastoid silent region 989; plus strand). Cytogenetic location: 1p31.1.
Variant type: single nucleotide variant.
Coding change: c.-140A>T on transcript NM_001902.6 (MANE Select); 140 bases upstream of the start codon, A replaced by T.
Molecular consequence: 5 prime UTR variant.
Genome position (GRCh38, 1-based): chr1:70,411,276, A>T. VCF-style: chr1-70411276-A-T. GRCh37 (hg19) VCF-style: chr1-70876959-A-T.
Other names: c.-140A>T (NM_001190463.2, NM_153742.5).
Identifiers: ClinVar variation 298027 (VCV000298027.6), dbSNP rs17131292, ClinGen allele CA10610726.
Genomic context (GRCh38, chr1:70,411,276, plus strand): 5'-GATCGTGAGACTGCAGACCCGCTAATAAAATCCACCCCAACAATCGCTGTGTGCCGCTTT[A>T]GTGCGCTCGCCGTCGGCTCTACCTGCGTGCTTTAGCTCCTTCTCGCCTGATCCTTCTGTC-3'

ClinVar aggregate classification (germline): Likely benign. Review status: criteria provided, multiple submitters, no conflicts (2 of 4 stars). 2 submissions from 2 submitters: Likely benign (2). Last evaluated 2018-01-13.

Conditions:
Cystathioninuria. Also called: CYSTATHIONASE DEFICIENCY. Identifiers: Orphanet 212, MedGen C0220993, MONDO:0009058, OMIM 219500, HP:0003153.

Allele frequency attached by ClinVar (database versions not stated): TOPMed 0.02959; 1000 Genomes Project 30x 0.03357; gnomAD 0.02804 and 0.02625; gnomAD exomes 0.00461; 1000 Genomes Project 0.03235.
gnomAD v4.1: 7,321 of 841,946 alleles (0.87%); highest among the groups gnomAD compares: African/African-American, 8.7%; 266 homozygotes.

Submissions (2):

Illumina Laboratory Services, Illumina
Classification: Likely benign for Cystathioninuria. Last evaluated: 2018-01-13. Review status: criteria provided, single submitter. Criteria: ICSL Variant Classification Criteria 13 December 2019. Collection method: clinical testing. Allele origin: germline.
Comment: This variant was observed in the ICSL laboratory as part of a predisposition screen in an ostensibly healthy population. It had not been previously curated by ICSL or reported in the Human Gene Mutation Database (HGMD: prior to June 1st, 2018), and was therefore a candidate for classification through an automated scoring system. Utilizing variant allele frequency, disease prevalence and penetrance estimates, and inheritance mode, an automated score was calculated to assess if this variant is too frequent to cause the disease. Based on the score and internal cut-off values, a variant classified as likely benign is not then subjected to further curation. The score for this variant resulted in a classification of likely benign for this disease.

Breakthrough Genomics
Classification: Likely benign. Review status: criteria provided, single submitter. Criteria: ACMG Guidelines, 2015. Collection method: not provided. Allele origin: germline. Inheritance: Autosomal recessive inheritance. Affected: yes.